The following is an entry in ClinVar:

NM_024529.5(CDC73):c.1112T>C (p.Leu371Ser)

Gene: CDC73 (cell division cycle 73; plus strand). Cytogenetic location: 1q31.2.
Variant type: single nucleotide variant.
Coding change: c.1112T>C on transcript NM_024529.5 (MANE Select); coding-DNA position 1112, T replaced by C.
Protein change: p.Leu371Ser; replaces leucine 371 with serine.
Molecular consequence: missense variant.
Genome position (GRCh38, 1-based): chr1:193,212,435, T>C. VCF-style: chr1-193212435-T-C. GRCh37 (hg19) VCF-style: chr1-193181565-T-C.
Other names: c.1112T>C (NM_024529.4); short protein forms L371S.
Identifiers: ClinVar variation 1510163 (VCV001510163.9), dbSNP rs2102038560, ClinGen allele CA344077599.

ClinVar aggregate classification (germline): Uncertain significance. Review status: criteria provided, multiple submitters, no conflicts (2 of 4 stars). 2 submissions from 2 submitters: Uncertain significance (2). Last evaluated 2025-12-21.

Conditions:
Parathyroid carcinoma (PRTC). Also called: CDC73-Related Parathyroid Carcinoma; Parathyroid gland carcinoma. Identifiers: Orphanet 143, MedGen C0687150, MONDO:0012004, OMIM 608266, HP:0006780.
Hereditary cancer-predisposing syndrome. Also called: Neoplastic Syndromes, Hereditary; Tumor predisposition; Hereditary Cancer Syndrome; Hereditary neoplastic syndrome. Identifiers: Orphanet 140162, MedGen C0027672, MeSH D009386, MONDO:0015356.

Submissions (2):

Ambry Genetics
Classification: Uncertain significance for Hereditary cancer-predisposing syndrome. Last evaluated: 2025-12-21. Review status: criteria provided, single submitter. Criteria: Ambry Variant Classification Scheme 2023. Collection method: clinical testing. Allele origin: germline.
Comment: The p.L371S variant (also known as c.1112T>C), located in coding exon 13 of the CDC73 gene, results from a T to C substitution at nucleotide position 1112. The leucine at codon 371 is replaced by serine, an amino acid with dissimilar properties. This amino acid position is conserved. In addition, this alteration is predicted to be deleterious by in silico analysis. Based on the available evidence, the clinical significance of this variant remains unclear.

Labcorp Genetics (formerly Invitae), Labcorp
Classification: Uncertain significance for Parathyroid carcinoma. Last evaluated: 2021-02-14. Review status: criteria provided, single submitter. Criteria: Invitae Variant Classification Sherloc (09022015). Collection method: clinical testing. Allele origin: germline.
Comment: This variant has not been reported in the literature in individuals with CDC73-related conditions. This variant is not present in population databases (ExAC no frequency). This sequence change replaces leucine with serine at codon 371 of the CDC73 protein (p.Leu371Ser). The leucine residue is moderately conserved and there is a large physicochemical difference between leucine and serine. Algorithms developed to predict the effect of missense changes on protein structure and function are either unavailable or do not agree on the potential impact of this missense change (SIFT: "Deleterious"; PolyPhen-2: "Probably Damaging"; Align-GVGD: "Class C0"). In summary, the available evidence is currently insufficient to determine the role of this variant in disease. Therefore, it has been classified as a Variant of Uncertain Significance.